The following is an entry in ClinVar:

NM_001127453.2(GSDME):c.314G>A (p.Gly105Asp)

Gene: GSDME (gasdermin E; minus strand). Cytogenetic location: 7p15.3.
Variant type: single nucleotide variant.
Coding change: c.314G>A on transcript NM_001127453.2 (MANE Select); coding-DNA position 314, G replaced by A.
Protein change: p.Gly105Asp; replaces glycine 105 with aspartic acid.
Molecular consequence: missense variant. On other transcripts: 5 prime UTR variant (1).
Genome position (GRCh38, 1-based): chr7:24,744,652, C>T on the plus strand (G>A on the coding strand, the complement: GSDME is on the minus strand). VCF-style: chr7-24744652-C-T. GRCh37 (hg19) VCF-style: chr7-24784271-C-T.
Other names: c.-179G>A (NM_001127454.2); c.314G>A, p.Gly105Asp (NM_004403.3); short protein forms G105D.
Identifiers: ClinVar variation 2075546 (VCV002075546.4), dbSNP rs768626792, ClinGen allele CA367048705.

ClinVar aggregate classification (germline): Uncertain significance (1 of 4 stars; one submission).

gnomAD v4.1: 1 of 1,614,158 alleles (0.000062%); no homozygotes.

Submission:

Labcorp Genetics (formerly Invitae), Labcorp
Classification: Uncertain significance. Last evaluated: 2022-01-05. Review status: criteria provided, single submitter. Criteria: Invitae Variant Classification Sherloc (09022015). Collection method: clinical testing. Allele origin: germline.
Comment: This variant has not been reported in the literature in individuals affected with DFNA5-related conditions. This variant is not present in population databases (gnomAD no frequency). This sequence change replaces glycine, which is neutral and non-polar, with aspartic acid, which is acidic and polar, at codon 105 of the DFNA5 protein (p.Gly105Asp). Algorithms developed to predict the effect of missense changes on protein structure and function are either unavailable or do not agree on the potential impact of this missense change (SIFT: "Deleterious"; PolyPhen-2: "Possibly Damaging"; Align-GVGD: "Class C15"). In summary, the available evidence is currently insufficient to determine the role of this variant in disease. Therefore, it has been classified as a Variant of Uncertain Significance.